The following is an entry in ClinVar:

ClinVar aggregate classification (germline): Likely benign (0 of 4 stars; one submission).

Conditions:
AKR1C2-related disorder. Also called: AKR1C2-related condition.

Allele frequency attached by ClinVar (database versions not stated): gnomAD exomes 0.00006; ExAC 0.00015; 1000 Genomes Project 0.00040; 1000 Genomes Project 30x 0.00062; ESP Exome Variant Server 0.00077.
gnomAD v4.1: 168 of 1,614,170 alleles (0.01%); highest among the groups gnomAD compares: African/African-American, 0.19%; no homozygotes.

Submission:

PreventionGenetics, part of Exact Sciences
Classification: Likely benign for AKR1C2-related condition. Last evaluated: 2020-01-14. Review status: no assertion criteria provided. Collection method: clinical testing. Allele origin: germline.
Comment: This variant is classified as likely benign based on ACMG/AMP sequence variant interpretation guidelines (Richards et al. 2015 PMID: 25741868, with internal and published modifications).

NM_001393392.1(AKR1C2):c.501C>T (p.Asn167=)

Gene: AKR1C2 (aldo-keto reductase family 1 member C2; minus strand). Cytogenetic location: 10p15.1.
Variant type: single nucleotide variant.
Coding change: c.501C>T on transcript NM_001393392.1 (MANE Select); coding-DNA position 501, C replaced by T.
Protein change: p.Asn167=; no amino-acid change (asparagine 167 retained).
Molecular consequence: synonymous variant.
Genome position (GRCh38, 1-based): chr10:4,998,694, G>A on the plus strand (C>T on the coding strand, the complement: AKR1C2 is on the minus strand). VCF-style: chr10-4998694-G-A. GRCh37 (hg19) VCF-style: chr10-5040886-G-A.
Other names: c.423C>T, p.Asn141= (NM_001321027.2); c.501C>T, p.Asn167= (NM_001354.6, NM_205845.3).
Identifiers: ClinVar variation 3037188 (VCV003037188.2), dbSNP rs146403999, ClinGen allele CA5390069.